The following is an entry in ClinVar:

ClinVar aggregate classification (germline): Uncertain significance (1 of 4 stars; one submission).

gnomAD v4.1: 1 of 1,613,892 alleles (0.000062%); no homozygotes.

Submission:

GeneDx
Classification: Uncertain significance. Last evaluated: 2023-02-27. Review status: criteria provided, single submitter. Criteria: GeneDx Variant Classification Process June 2021. Collection method: clinical testing. Allele origin: germline. Affected: yes.
Comment: Not observed at significant frequency in large population cohorts (gnomAD); In silico analysis supports that this missense variant does not alter protein structure/function; Has not been previously published as pathogenic or benign to our knowledge

NM_000051.4(ATM):c.697T>G (p.Leu233Val)

Gene: ATM (ATM serine/threonine kinase; plus strand). Cytogenetic location: 11q22.3.
Variant type: single nucleotide variant.
Coding change: c.697T>G on transcript NM_000051.4 (MANE Select); coding-DNA position 697, T replaced by G.
Protein change: p.Leu233Val; replaces leucine 233 with valine.
Molecular consequence: missense variant.
Genome position (GRCh38, 1-based): chr11:108,244,822, T>G. VCF-style: chr11-108244822-T-G. GRCh37 (hg19) VCF-style: chr11-108115549-T-G.
Other names: c.697T>G, p.Leu233Val (NM_001351834.2); short protein forms L233V.
Identifiers: ClinVar variation 2577565 (VCV002577565.1), dbSNP rs2497147624, ClinGen allele CA382529104.
Genomic context (GRCh38, chr11:108,244,822, plus strand): 5'-AGTTGAGCTTGTTTGTTTCTTCACAGACAAGAAAAGAGCTCTTCAGGTCTAAATCATATC[T>G]TAGCAGCTCTTACTATCTTCCTCAAGACTTTGGCTGTCAACTTTCGAATTCGAGTGTGTG-3'
Protein context (NP_000042.3, residues 223-243): EKSSSGLNHI[Leu233Val]AALTIFLKTL